The following is an entry in ClinVar:

NM_024301.5(FKRP):c.538G>T (p.Ala180Ser)

Gene: FKRP (fukutin related protein; plus strand). Cytogenetic location: 19q13.32.
Variant type: single nucleotide variant.
Coding change: c.538G>T on transcript NM_024301.5 (MANE Select); coding-DNA position 538, G replaced by T.
Protein change: p.Ala180Ser; replaces alanine 180 with serine.
Molecular consequence: missense variant.
Genome position (GRCh38, 1-based): chr19:46,755,988, G>T. VCF-style: chr19-46755988-G-T. GRCh37 (hg19) VCF-style: chr19-47259245-G-T.
Other names: c.538G>T, p.Ala180Ser (NM_001039885.3); short protein forms A180S.
Identifiers: ClinVar variation 2913257 (VCV002913257.3), dbSNP rs2513989149, ClinGen allele CA406495526.

ClinVar aggregate classification (germline): Uncertain significance (1 of 4 stars; one submission).

Conditions:
Walker-Warburg congenital muscular dystrophy. Also called: Muscular dystrophy-dystroglycanopathy, type A; Walker-Warburg syndrome. Identifiers: Orphanet 899, MedGen C0265221, MONDO:0000171.

Submission:

Labcorp Genetics (formerly Invitae), Labcorp
Classification: Uncertain significance for Walker-Warburg congenital muscular dystrophy. Last evaluated: 2023-01-13. Review status: criteria provided, single submitter. Criteria: Invitae Variant Classification Sherloc (09022015). Collection method: clinical testing. Allele origin: germline.
Comment: Advanced modeling of protein sequence and biophysical properties (such as structural, functional, and spatial information, amino acid conservation, physicochemical variation, residue mobility, and thermodynamic stability) has been performed at Invitae for this missense variant, however the output from this modeling did not meet the statistical confidence thresholds required to predict the impact of this variant on FKRP protein function. This sequence change replaces alanine, which is neutral and non-polar, with serine, which is neutral and polar, at codon 180 of the FKRP protein (p.Ala180Ser). This variant is not present in population databases (gnomAD no frequency). This variant has not been reported in the literature in individuals affected with FKRP-related conditions. In summary, the available evidence is currently insufficient to determine the role of this variant in disease. Therefore, it has been classified as a Variant of Uncertain Significance.